The following is an entry in ClinVar:

ClinVar aggregate classification (germline): Uncertain significance (0 of 4 stars; one submission).

Conditions:
SEMA3B-related disorder. Also called: SEMA3B-related condition.

gnomAD v4.1: 6 of 1,593,610 alleles (0.00038%); highest among the groups gnomAD compares: African/African-American, 0.004%; no homozygotes.

Submission:

PreventionGenetics, part of Exact Sciences
Classification: Uncertain significance for SEMA3B-related condition. Last evaluated: 2023-12-13. Review status: no assertion criteria provided. Collection method: clinical testing. Allele origin: germline.
Comment: The SEMA3B c.1469C>T variant is predicted to result in the amino acid substitution p.Ser490Leu. To our knowledge, this variant has not been reported in the literature. This variant is reported in 0.023% of alleles in individuals of African descent in gnomAD. At this time, the clinical significance of this variant is uncertain due to the absence of conclusive functional and genetic evidence.

NM_001290060.2(SEMA3B):c.1454C>T (p.Ser485Leu)

Gene: SEMA3B (semaphorin 3B; plus strand). Cytogenetic location: 3p21.31.
Variant type: single nucleotide variant.
Coding change: c.1454C>T on transcript NM_001290060.2 (MANE Select); coding-DNA position 1454, C replaced by T.
Protein change: p.Ser485Leu; replaces serine 485 with leucine.
Molecular consequence: missense variant. On other transcripts: non-coding transcript variant (1).
Genome position (GRCh38, 1-based): chr3:50,275,016, C>T. VCF-style: chr3-50275016-C-T. GRCh37 (hg19) VCF-style: chr3-50312447-C-T.
Other names: c.1451C>T, p.Ser484Leu (NM_001005914.3); c.1469C>T, p.Ser490Leu (NM_001290061.1); c.425C>T, p.Ser142Leu (NM_001290062.2, NM_001290063.2); c.1454C>T, p.Ser485Leu (NM_004636.4); short protein forms S142L, S484L, S485L, S490L.
Identifiers: ClinVar variation 3349887 (VCV003349887.1).